The following is an entry in ClinVar:

NM_000069.3(CACNA1S):c.2490+6G>A

Gene: CACNA1S (calcium voltage-gated channel subunit alpha1 S; minus strand). Cytogenetic location: 1q32.1.
Variant type: single nucleotide variant.
Coding change: c.2490+6G>A on transcript NM_000069.3 (MANE Select); 6 bases into the intron after coding-DNA position 2490, G replaced by A.
Molecular consequence: intron variant.
Genome position (GRCh38, 1-based): chr1:201,069,466, C>T on the plus strand (G>A on the coding strand, the complement: CACNA1S is on the minus strand). VCF-style: chr1-201069466-C-T. GRCh37 (hg19) VCF-style: chr1-201038594-C-T.
Identifiers: ClinVar variation 3073538 (VCV003073538.2), dbSNP rs750783676, ClinGen allele CA079023.

ClinVar aggregate classification (germline): Uncertain significance. Review status: criteria provided, multiple submitters, no conflicts (2 of 4 stars). 2 submissions from 2 submitters: Uncertain significance (2). Last evaluated 2025-09-12.

Conditions:
Malignant hyperthermia, susceptibility to, 5 (MHS5). Also called: CACNA1S-Related Malignant Hyperthermia Susceptibility. Identifiers: Orphanet 423, MedGen C1866077, MONDO:0011163, OMIM 601887.

Allele frequency attached by ClinVar (database versions not stated): TOPMed below 0.00001; gnomAD 0.00001; ExAC 0.00004.
gnomAD v4.1: 21 of 1,605,774 alleles (0.0013%); highest among the groups gnomAD compares: South Asian, 0.015%; no homozygotes.

Submissions (2):

Color Diagnostics, LLC DBA Color Health
Classification: Uncertain significance for Malignant hyperthermia, susceptibility to, 5. Last evaluated: 2025-09-12. Review status: criteria provided, single submitter. Criteria: ACMG Guidelines, 2015. Collection method: clinical testing. Allele origin: germline.
Comment: This variant causes a G to A nucleotide substitution at the +6 position of intron 18 of the CACNA1S gene. To our knowledge, functional studies have not been reported for this variant. This variant has not been reported in individuals affected with CACNA1S-related disorders in the literature. This variant has been identified in 6/232322 chromosomes in the general population by the Genome Aggregation Database (gnomAD). The available evidence is insufficient to determine the role of this variant in disease conclusively. Therefore, this variant is classified as a Variant of Uncertain Significance.

All of Us Research Program, National Institutes of Health
Classification: Uncertain significance for Malignant hyperthermia, susceptibility to, 5. Last evaluated: 2023-10-02. Review status: criteria provided, single submitter. Criteria: ACMG Guidelines, 2015. Collection method: clinical testing. Allele origin: germline. Inheritance: Autosomal dominant inheritance. Observed: 1 variant allele, 1 heterozygote.
Comment: This variant causes a G to A nucleotide substitution at the +6 position of intron 18 of the CACNA1S gene. To our knowledge, functional studies have not been reported for this variant. This variant has not been reported in individuals affected with CACNA1S-related disorders in the literature. This variant has been identified in 6/232322 chromosomes in the general population by the Genome Aggregation Database (gnomAD). The available evidence is insufficient to determine the role of this variant in disease conclusively. Therefore, this variant is classified as a Variant of Uncertain Significance.

This study involves interpretation of variants in research participants for the purpose of population health screening. Participant phenotype was not available at the time of variant classification. Additional details can be found in publication PMID: 35346344, PMCID: PMC8962531